The following is an entry in ClinVar:

ClinVar aggregate classification (germline): Uncertain significance. Review status: criteria provided, multiple submitters, no conflicts (2 of 4 stars). 6 submissions from 6 submitters: Uncertain significance (6). Last evaluated 2025-12-08.

Conditions:
Autosomal recessive nonsyndromic hearing loss 77. Identifiers: Orphanet 90636, MedGen C2746083, MONDO:0013119, OMIM 613079.
Inborn genetic diseases. Identifiers: MedGen C0950123, MeSH D030342.

Allele frequency attached by ClinVar (database versions not stated): gnomAD 0.00004 and 0.00007; TOPMed 0.00008; gnomAD exomes 0.00009; 1000 Genomes Project 30x 0.00016; 1000 Genomes Project 0.00020; ExAC 0.00022.
gnomAD v4.1: 128 of 1,551,686 alleles (0.0082%); highest among the groups gnomAD compares: East Asian, 0.12%; no homozygotes.

Submissions (6):

Labcorp Genetics (formerly Invitae), Labcorp
Classification: Uncertain significance. Last evaluated: 2025-12-08. Review status: criteria provided, single submitter. Criteria: Invitae Variant Classification Sherloc (09022015). Collection method: clinical testing. Allele origin: germline.
Comment: This sequence change replaces threonine, which is neutral and polar, with methionine, which is neutral and non-polar, at codon 1299 of the LOXHD1 protein (p.Thr1299Met). This variant is present in population databases (rs113591161, gnomAD 0.06%). This variant has not been reported in the literature in individuals affected with LOXHD1-related conditions. ClinVar contains an entry for this variant (Variation ID: 891465). An algorithm developed to predict the effect of missense changes on protein structure and function (PolyPhen-2) suggests that this variant is likely to be disruptive. In summary, the available evidence is currently insufficient to determine the role of this variant in disease. Therefore, it has been classified as a Variant of Uncertain Significance.

Ambry Genetics
Classification: Uncertain significance for Inborn genetic diseases. Last evaluated: 2024-10-12. Review status: criteria provided, single submitter. Criteria: Ambry Variant Classification Scheme 2023. Collection method: clinical testing. Allele origin: germline.

GeneDx
Classification: Uncertain significance. Last evaluated: 2024-09-18. Review status: criteria provided, single submitter. Criteria: GeneDx Variant Classification Process June 2021. Collection method: clinical testing. Allele origin: germline. Affected: yes.
Comment: In silico analysis supports that this missense variant has a deleterious effect on protein structure/function; Has not been previously published as pathogenic or benign to our knowledge

Fulgent Genetics
Classification: Uncertain significance for Autosomal recessive nonsyndromic hearing loss 77. Last evaluated: 2021-07-12. Review status: criteria provided, single submitter. Criteria: ACMG Guidelines, 2015. Collection method: clinical testing. Allele origin: unknown.

Illumina Laboratory Services, Illumina
Classification: Uncertain significance for Autosomal recessive nonsyndromic hearing loss 77. Last evaluated: 2018-01-13. Review status: criteria provided, single submitter. Criteria: ICSL Variant Classification Criteria 13 December 2019. Collection method: clinical testing. Allele origin: germline.

Breakthrough Genomics
Classification: Uncertain significance. Review status: criteria provided, single submitter. Criteria: ACMG Guidelines, 2015. Collection method: not provided. Allele origin: germline. Inheritance: Autosomal recessive inheritance. Affected: yes.

NM_001384474.1(LOXHD1):c.3896C>T (p.Thr1299Met)

Gene: LOXHD1 (lipoxygenase homology PLAT domains 1; minus strand). Cytogenetic location: 18q21.1.
Variant type: single nucleotide variant.
Coding change: c.3896C>T on transcript NM_001384474.1 (MANE Select); coding-DNA position 3896, C replaced by T.
Protein change: p.Thr1299Met; replaces threonine 1299 with methionine.
Molecular consequence: missense variant.
Genome position (GRCh38, 1-based): chr18:46,541,793, G>A on the plus strand (C>T on the coding strand, the complement: LOXHD1 is on the minus strand). VCF-style: chr18-46541793-G-A. GRCh37 (hg19) VCF-style: chr18-44121756-G-A.
Other names: c.563C>T, p.Thr188Met (NM_001145472.3); c.275C>T, p.Thr92Met (NM_001308013.2); c.3896C>T, p.Thr1299Met (NM_144612.7); short protein forms T188M, T1299M, T92M.
Identifiers: ClinVar variation 891465 (VCV000891465.11), dbSNP rs113591161, ClinGen allele CA8952419.